The following is an entry in ClinVar:

NM_001284259.2(KIF20B):c.3984C>T (p.Asn1328=)

Gene: KIF20B (kinesin family member 20B; plus strand). Cytogenetic location: 10q23.31.
Variant type: single nucleotide variant.
Coding change: c.3984C>T on transcript NM_001284259.2 (MANE Select); coding-DNA position 3984, C replaced by T.
Protein change: p.Asn1328=; no amino-acid change (asparagine 1328 retained).
Molecular consequence: synonymous variant. On other transcripts: non-coding transcript variant (2).
Genome position (GRCh38, 1-based): chr10:89,743,876, C>T. VCF-style: chr10-89743876-C-T. GRCh37 (hg19) VCF-style: chr10-91503633-C-T.
Other names: c.3771C>T, p.Asn1257= (NM_001382506.1); c.3864C>T, p.Asn1288= (NM_016195.4).
Identifiers: ClinVar variation 2640671 (VCV002640671.24), dbSNP rs751875487, ClinGen allele CA5597277.

ClinVar aggregate classification (germline): Likely benign (1 of 4 stars; one submission).

Allele frequency attached by ClinVar (database versions not stated): ExAC 0.00001; gnomAD exomes 0.00004; gnomAD 0.00005.
gnomAD v4.1: 67 of 1,589,794 alleles (0.0042%); highest among the groups gnomAD compares: Non-Finnish European, 0.0038%; no homozygotes.

Submission:

CeGaT Center for Human Genetics Tuebingen
Classification: Likely benign. Last evaluated: 2022-08-01. Review status: criteria provided, single submitter. Criteria: CeGaT Center For Human Genetics Tuebingen Variant Classification Criteria Version 2. Collection method: clinical testing. Allele origin: germline. Affected: yes. Observed: 1 variant allele.
Comment: KIF20B: BP4, BP7